The following is an entry in ClinVar:

NM_006593.4(TBR1):c.1175G>A (p.Arg392Gln)

Gene: TBR1 (T-box brain transcription factor 1; plus strand). Cytogenetic location: 2q24.2.
Variant type: single nucleotide variant.
Coding change: c.1175G>A on transcript NM_006593.4 (MANE Select); coding-DNA position 1175, G replaced by A.
Protein change: p.Arg392Gln; replaces arginine 392 with glutamine.
Molecular consequence: missense variant.
Genome position (GRCh38, 1-based): chr2:161,420,242, G>A. VCF-style: chr2-161420242-G-A. GRCh37 (hg19) VCF-style: chr2-162276753-G-A.
Other names: c.1175G>A (NM_006593.2); short protein forms R392Q.
Identifiers: ClinVar variation 2690223 (VCV002690223.6), dbSNP rs2468095250, ClinGen allele CA349213136.

ClinVar aggregate classification (germline): Conflicting classifications of pathogenicity. Review status: criteria provided, conflicting classifications (1 of 4 stars). 3 submissions from 3 submitters: Pathogenic (1); Uncertain significance (2). Last evaluated 2025-09-09.

Conditions:
Intellectual developmental disorder with autism and speech delay. Also called: AUTISM-RELATED SPEECH DELAY; PHRASE SPEECH DELAY, AUTISM-RELATED; Autism 5; AUTS5; Autism, susceptibility to, 5. Identifiers: MedGen C1853755, MONDO:0011627, OMIM 606053.

Allele frequency attached by ClinVar (database versions not stated): gnomAD exomes below 0.00001.
gnomAD v4.1: 1 of 1,613,184 alleles (0.000062%); highest among the groups gnomAD compares: Non-Finnish European, 0.000085%; no homozygotes.

Submissions (3):

GeneDx
Classification: Pathogenic. Last evaluated: 2025-09-09. Review status: criteria provided, single submitter. Criteria: GeneDx Variant Classification Process June 2021. Collection method: clinical testing. Allele origin: germline.
Comment: Not observed at significant frequency in large population cohorts (gnomAD); In silico analysis supports that this missense variant has a deleterious effect on protein structure/function; Has not been previously published as pathogenic or benign to our knowledge

Labcorp Genetics (formerly Invitae), Labcorp
Classification: Uncertain significance. Last evaluated: 2024-12-10. Review status: criteria provided, single submitter. Criteria: Invitae Variant Classification Sherloc (09022015). Collection method: clinical testing. Allele origin: germline.
Comment: This sequence change replaces arginine, which is basic and polar, with glutamine, which is neutral and polar, at codon 392 of the TBR1 protein (p.Arg392Gln). This variant is not present in population databases (gnomAD no frequency). This variant has not been reported in the literature in individuals affected with TBR1-related conditions. ClinVar contains an entry for this variant (Variation ID: 2690223). Invitae Evidence Modeling of protein sequence and biophysical properties (such as structural, functional, and spatial information, amino acid conservation, physicochemical variation, residue mobility, and thermodynamic stability) indicates that this missense variant is expected to disrupt TBR1 protein function with a positive predictive value of 80%. In summary, the available evidence is currently insufficient to determine the role of this variant in disease. Therefore, it has been classified as a Variant of Uncertain Significance.

Revvity Omics, Revvity
Classification: Uncertain significance for Intellectual developmental disorder with autism and speech delay. Last evaluated: 2023-04-21. Review status: criteria provided, single submitter. Criteria: ACMG Guidelines, 2015. Collection method: clinical testing. Allele origin: germline.